The following is an entry in ClinVar:

ClinVar aggregate classification (germline): Likely benign. Review status: criteria provided, multiple submitters, no conflicts (2 of 4 stars). 2 submissions from 2 submitters: Likely benign (2). Last evaluated 2026-06-26.

Conditions:
Sessile serrated polyposis cancer syndrome (SSPCS). Identifiers: Orphanet 157798, MedGen C4310714, MONDO:0014919, OMIM 617108.

Submissions (2):

Myriad Genetics, Inc.
Classification: Likely benign for Sessile serrated polyposis cancer syndrome. Last evaluated: 2026-06-26. Review status: criteria provided, single submitter. Criteria: Myriad Autosomal Dominant, Autosomal Recessive and X-Linked Classification Criteria (2023). Collection method: clinical testing. Allele origin: unknown.
Comment: This variant is considered likely benign. This variant is intronic and is not expected to impact mRNA splicing.

Center for Genomic Medicine, Rigshospitalet, Copenhagen University Hospital
Classification: Likely benign. Last evaluated: 2025-12-29. Review status: criteria provided, single submitter. Criteria: ACMG Guidelines, 2015. Collection method: clinical testing. Allele origin: germline.

NM_017763.6(RNF43):c.451-16C>T

Gene: RNF43 (ring finger protein 43; minus strand). Cytogenetic location: 17q22.
Variant type: single nucleotide variant.
Coding change: c.451-16C>T on transcript NM_017763.6 (MANE Select); 16 bases into the intron before coding-DNA position 451, C replaced by T.
Molecular consequence: intron variant.
Genome position (GRCh38, 1-based): chr17:58,363,422, G>A on the plus strand (C>T on the coding strand, the complement: RNF43 is on the minus strand). VCF-style: chr17-58363422-G-A. GRCh37 (hg19) VCF-style: chr17-56440783-G-A.
Other names: c.451-16C>T (NM_001438822.1, NM_001305544.3, NM_001438820.1 and 1 more transcripts); c.70-16C>T (NM_001305545.2, NM_001437987.1).
Identifiers: ClinVar variation 4539198 (VCV004539198.2).